The following is an entry in ClinVar:

NC_000012.11:g.(?_1983750)_(1989067_?)del

Gene: CACNA2D4 (calcium voltage-gated channel auxiliary subunit alpha2delta 4; minus strand). Cytogenetic location: 12p13.33.
Variant type: Deletion.
Identifiers: ClinVar variation 2427494 (VCV002427494.4).

ClinVar aggregate classification (germline): Uncertain significance (1 of 4 stars; one submission).

Submission:

Labcorp Genetics (formerly Invitae), Labcorp
Classification: Uncertain significance. Last evaluated: 2023-08-28. Review status: criteria provided, single submitter. Criteria: Invitae Variant Classification Sherloc (09022015). Collection method: clinical testing. Allele origin: germline.
Comment: In summary, the available evidence is currently insufficient to determine the role of this variant in disease. Therefore, it has been classified as a Variant of Uncertain Significance. Experimental studies and prediction algorithms are not available or were not evaluated, and the functional significance of this variant is currently unknown. This variant has not been reported in the literature in individuals affected with CACNA2D4-related conditions. This variant is a gross deletion of the genomic region encompassing exon(s) 14-18 of the CACNA2D4 gene. This variant would be expected to be in-frame, preserving the integrity of the reading frame.